The following is an entry in ClinVar:

ClinVar aggregate classification (germline): Likely benign (1 of 4 stars; one submission).

Allele frequency attached by ClinVar (database versions not stated): ExAC 0.00001; gnomAD exomes 0.00001.
gnomAD v4.1: 9 of 1,614,138 alleles (0.00056%); highest among the groups gnomAD compares: South Asian, 0.0055%; no homozygotes.

Submission:

CeGaT Center for Human Genetics Tuebingen
Classification: Likely benign. Last evaluated: 2022-06-01. Review status: criteria provided, single submitter. Criteria: CeGaT Center For Human Genetics Tuebingen Variant Classification Criteria Version 2. Collection method: clinical testing. Allele origin: germline. Affected: yes. Observed: 1 variant allele.
Comment: MFSD2A: BP4, BP7

NM_032793.5(MFSD2A):c.1449G>T (p.Leu483=)

Gene: MFSD2A (MFSD2 lysolipid transporter A, lysophospholipid; plus strand). Cytogenetic location: 1p34.2.
Variant type: single nucleotide variant.
Coding change: c.1449G>T on transcript NM_032793.5 (MANE Select); coding-DNA position 1449, G replaced by T.
Protein change: p.Leu483=; no amino-acid change (leucine 483 retained).
Molecular consequence: synonymous variant. On other transcripts: non-coding transcript variant (1).
Genome position (GRCh38, 1-based): chr1:39,968,665, G>T. VCF-style: chr1-39968665-G-T. GRCh37 (hg19) VCF-style: chr1-40434337-G-T.
Other names: c.1488G>T, p.Leu496= (NM_001136493.3); c.981G>T, p.Leu327= (NM_001287808.2); c.1332G>T, p.Leu444= (NM_001287809.2); c.1443G>T, p.Leu481= (NM_001349821.2); c.1365G>T, p.Leu455= (NM_001349822.2); c.1104G>T, p.Leu368= (NM_001349823.2).
Identifiers: ClinVar variation 2638720 (VCV002638720.24), dbSNP rs751431553, ClinGen allele CA788993.